The following is an entry in ClinVar:

NM_002437.5(MPV17):c.133del (p.Glu45fs)

Gene: MPV17 (mitochondrial inner membrane protein MPV17; minus strand). Cytogenetic location: 2p23.3.
Variant type: Deletion.
Coding change: c.133del on transcript NM_002437.5 (MANE Select); coding-DNA position 133, one base deleted (G; older notation c.133delG).
Protein change: p.Glu45fs; shifts the reading frame from glutamic acid 45.
Molecular consequence: frameshift variant.
Genome position (GRCh38, 1-based): chr2:27,313,047, C deleted on the plus strand (G on the coding strand, the reverse complement: MPV17 is on the minus strand); the first of 2 consecutive C bases (chr2:27,313,047-27,313,048); deleting either gives the same sequence. VCF-style (leftmost placement, unchanged base first): chr2-27313046-TC-T. GRCh37 (hg19) VCF-style: chr2-27535913-TC-T.
Other names: short protein forms E45fs.
Identifiers: ClinVar variation 4815048 (VCV004815048.1).
Genomic context (GRCh38, chr2:27,313,046, plus strand): 5'-GAACTTACCACAAAGCCACAGCCCAGGGACACCATGGTCAGAGTCCGGCCTCTCTGGTGT[TC>T]CTGCAGACCCCGCCTCTCCACCAGCTGCTGTGAGATAATGTCACCCAGGCCCATCAGGGA-3'

ClinVar aggregate classification (germline): Likely pathogenic (1 of 4 stars; one submission).

Conditions:
Mitochondrial DNA depletion syndrome, hepatocerebral form. Identifiers: Orphanet 254871, MedGen C3711385, MONDO:0100512.

Submission:

Natera, Inc.
Classification: Likely pathogenic for Mitochondrial DNA depletion syndrome, hepatocerebral form. Last evaluated: 2024-08-16. Review status: criteria provided, single submitter. Criteria: Natera Variant Classification Schema (03/2026). Collection method: clinical testing. Allele origin: germline.
Comment: The c.133del variant in MPV17 is a frameshift variant predicted to shift the reading frame beginning at codon 45 and leads to a stop codon 8 codons downstream. This variant is expected to result in nonsense mediated decay, truncation, or a dysfunctional protein product. This variant is rare in the general population with a frequency below the threshold expected for the associated phenotype(s). Given the available evidence, this variant is classified as Likely Pathogenic.